The following is an entry in ClinVar:

ClinVar aggregate classification (germline): Conflicting classifications of pathogenicity. Review status: criteria provided, conflicting classifications (1 of 4 stars). 3 submissions from 3 submitters: Likely pathogenic (2); Uncertain significance (1). Last evaluated 2025-07-01.

Conditions:
Wilson disease (WND). Also called: Wilson's disease. Identifiers: Orphanet 905, MedGen C0019202, MONDO:0010200, OMIM 277900. Disease mechanism: loss of function.

Submissions (3):

CeGaT Center for Human Genetics Tuebingen
Classification: Likely pathogenic. Last evaluated: 2025-07-01. Review status: criteria provided, single submitter. Criteria: CeGaT Center For Human Genetics Tuebingen Variant Classification Criteria Version 2. Collection method: clinical testing. Allele origin: germline. Affected: yes. Observed: 1 variant allele.
Comment: ATP7B: PM2, PM3, PP3, PP4

Natera, Inc.
Classification: Likely pathogenic for Wilson disease. Last evaluated: 2025-04-17. Review status: criteria provided, single submitter. Criteria: Natera Variant Classification Schema (03/2026). Collection method: clinical testing. Allele origin: germline.
Comment: The c.2731G>A variant in ATP7B is a missense variant predicted to cause substitution of alanine to threonine at amino acid 911. This variant is rare in the general population with a frequency below the threshold expected for the associated phenotype(s). This variant has been observed in one or more individuals affected with the associated recessive disease, as either homozygous or compound heterozygous with a second variant (PMID: 35220961, 30232804). A different variant at the same position has been determined to be Pathogenic or Likely Pathogenic. Computational prediction algorithms indicate this variant is likely to affect gene or protein function. Given the available evidence, this variant is classified as Likely Pathogenic.

Labcorp Genetics (formerly Invitae), Labcorp
Classification: Uncertain significance for Wilson disease. Last evaluated: 2022-01-16. Review status: criteria provided, single submitter. Criteria: Invitae Variant Classification Sherloc (09022015). Collection method: clinical testing. Allele origin: germline.
Comment: This sequence change replaces alanine, which is neutral and non-polar, with threonine, which is neutral and polar, at codon 911 of the ATP7B protein (p.Ala911Thr). This variant is not present in population databases (gnomAD no frequency). This variant has not been reported in the literature in individuals affected with ATP7B-related conditions. Algorithms developed to predict the effect of missense changes on protein structure and function (SIFT, PolyPhen-2, Align-GVGD) all suggest that this variant is likely to be disruptive. In summary, the available evidence is currently insufficient to determine the role of this variant in disease. Therefore, it has been classified as a Variant of Uncertain Significance.

Literature cited by the submitters: PubMed 35220961 (cited by Natera, Inc.); PubMed 30232804 (cited by Natera, Inc.).

NM_000053.4(ATP7B):c.2731G>A (p.Ala911Thr)

Gene: ATP7B (ATPase copper transporting beta; minus strand). Cytogenetic location: 13q14.3.
Variant type: single nucleotide variant.
Coding change: c.2731G>A on transcript NM_000053.4 (MANE Select); coding-DNA position 2731, G replaced by A.
Protein change: p.Ala911Thr; replaces alanine 911 with threonine.
Molecular consequence: missense variant. On other transcripts: intron variant (1).
Genome position (GRCh38, 1-based): chr13:51,949,796, C>T on the plus strand (G>A on the coding strand, the complement: ATP7B is on the minus strand). VCF-style: chr13-51949796-C-T. GRCh37 (hg19) VCF-style: chr13-52523932-C-T.
Other names: c.2398G>A, p.Ala800Thr (NM_001243182.2); c.2497G>A, p.Ala833Thr (NM_001330578.2, NM_001406527.1, NM_001406528.1 and 2 more transcripts); c.2479G>A, p.Ala827Thr (NM_001330579.2, NM_001406540.1, NM_001406531.1 and 1 more transcripts); c.2731G>A, p.Ala911Thr (NM_001406511.1, NM_001406512.1, NM_001406513.1 and 5 more transcripts); c.2698G>A, p.Ala900Thr (NM_001406514.1); c.2635G>A, p.Ala879Thr (NM_001406517.1, NM_001406518.1); c.2587G>A, p.Ala863Thr (NM_001406520.1, NM_001406521.1, NM_001406522.1 and 1 more transcripts); c.2554G>A, p.Ala852Thr (NM_001406524.1); and 10 more; short protein forms A749T, A768T, A863T, A481T, A795T, A800T, A801T, A831T.
Identifiers: ClinVar variation 2086059 (VCV002086059.11), dbSNP rs2547667619, ClinGen allele CA388033951.
Genomic context (GRCh38, chr13:51,949,796, plus strand): 5'-TGATGATGATAAATGGGACAAAATATCCACTAAACCGGTCAGCCAGCTGCTGAATGGGTG[C>T]CTATGAAAATAAAACACCAAGACCATGGGAAATTACAACCTATGAAGAAATAAAACACCA-3'
Protein context (NP_000044.2, residues 901-921): KLVEEAQMSK[Ala911Thr]PIQQLADRFS